The following is an entry in ClinVar:

ClinVar aggregate classification (germline): Conflicting classifications of pathogenicity. Review status: criteria provided, conflicting classifications (1 of 4 stars). 6 submissions from 6 submitters: Uncertain significance (3); Likely benign (3). Last evaluated 2025-09-01.

Conditions:
Seizure. Also called: Seizures. Identifiers: MedGen C0036572, HP:0001250.
Intellectual disability. Also called: Intellectual functioning disability; Intellectual developmental disorder; intellectual disabilities. Identifiers: MedGen C3714756, MeSH D008607, MONDO:0001071, HP:0001249.
Familial sleep-related hypermotor epilepsy. Also called: Autosomal Dominant Sleep-Related Hypermotor (Hyperkinetic) Epilepsy. Identifiers: Orphanet 98784, MedGen C3696898, MONDO:0000030.

Allele frequency attached by ClinVar (database versions not stated): gnomAD 0.00003 and 0.00004; TOPMed 0.00003; gnomAD exomes 0.00004; ExAC 0.00007.

Submissions (6):

CeGaT Center for Human Genetics Tuebingen
Classification: Likely benign. Last evaluated: 2025-09-01. Review status: criteria provided, single submitter. Criteria: CeGaT Center For Human Genetics Tuebingen Variant Classification Criteria Version 2. Collection method: clinical testing. Allele origin: germline. Affected: yes. Observed: 1 variant allele.
Comment: CHRNA2: BS2

Women's Health and Genetics/Laboratory Corporation of America, LabCorp
Classification: Uncertain significance. Last evaluated: 2024-11-13. Review status: criteria provided, single submitter. Criteria: LabCorp Variant Classification Summary - May 2015. Collection method: clinical testing. Allele origin: germline.
Comment: Variant summary: CHRNA2 c.289G>A (p.Asp97Asn) results in a conservative amino acid change located in the Nicotinic receptor ligand binding domain-like (IPR036734) of the encoded protein sequence. Three of five in-silico tools predict a benign effect of the variant on protein function. The variant allele was found at a frequency of 3.6e-05 in 250642 control chromosomes. The available data on variant occurrences in the general population are insufficient to allow any conclusion about variant significance. To our knowledge, no occurrence of c.289G>A in individuals affected with Autosomal Dominant Nocturnal Frontal Lobe Epilepsy 4 and no experimental evidence demonstrating its impact on protein function have been reported. ClinVar contains an entry for this variant (Variation ID: 375465). Based on the evidence outlined above, the variant was classified as uncertain significance.

Blueprint Genetics
Classification: Likely benign. Last evaluated: 2024-10-01. Review status: criteria provided, single submitter. Criteria: ACMG Guidelines, 2015. Collection method: clinical testing. Allele origin: germline.

Labcorp Genetics (formerly Invitae), Labcorp
Classification: Likely benign. Last evaluated: 2024-03-18. Review status: criteria provided, single submitter. Criteria: Invitae Variant Classification Sherloc (09022015). Collection method: clinical testing. Allele origin: germline.

GeneDx
Classification: Uncertain significance. Last evaluated: 2022-02-14. Review status: criteria provided, single submitter. Criteria: GeneDx Variant Classification Process June 2021. Collection method: clinical testing. Allele origin: germline. Affected: yes.
Comment: In silico analysis supports that this missense variant has a deleterious effect on protein structure/function; Has not been previously published as pathogenic or benign to our knowledge

Center of Genomic medicine, Geneva, University Hospital of Geneva
Classification: Uncertain significance for Seizure; Intellectual disability. Last evaluated: 2016-04-29. Review status: criteria provided, single submitter. Criteria: ACMG Guidelines, 2015. Collection method: clinical testing. Allele origin: unknown. Affected: yes.

NM_000742.4(CHRNA2):c.289G>A (p.Asp97Asn)

Gene: CHRNA2 (cholinergic receptor nicotinic alpha 2 subunit; minus strand). Cytogenetic location: 8p21.2.
Variant type: single nucleotide variant.
Coding change: c.289G>A on transcript NM_000742.4 (MANE Select); coding-DNA position 289, G replaced by A.
Protein change: p.Asp97Asn; replaces aspartic acid 97 with asparagine.
Molecular consequence: missense variant. On other transcripts: 5 prime UTR variant (2), intron variant (3).
Genome position (GRCh38, 1-based): chr8:27,469,766, C>T on the plus strand (G>A on the coding strand, the complement: CHRNA2 is on the minus strand). VCF-style: chr8-27469766-C-T. GRCh37 (hg19) VCF-style: chr8-27327283-C-T.
Other names: c.-184G>A (NM_001347706.2); c.-173G>A (NM_001347708.2); c.-179+40G>A (NM_001347705.2); c.249+40G>A (NM_001282455.2); c.-165+40G>A (NM_001347707.2); short protein forms D97N.
Identifiers: ClinVar variation 375465 (VCV000375465.22), dbSNP rs775714882, ClinGen allele CA4689739.